The following is an entry in ClinVar:

ClinVar aggregate classification (germline): Likely pathogenic (1 of 4 stars; one submission).

Conditions:
Primary hyperoxaluria, type I (HP1). Also called: OXALOSIS I; Primary hyperoxaluria type 1; GLYCOLIC ACIDURIA; HEPATIC AGT DEFICIENCY. Identifiers: Orphanet 416, Orphanet 93598, MedGen C0268164, MONDO:0009823, OMIM 259900. Disease mechanism: loss of function.

Submission:

Clinical Biochemistry Laboratory, Health Services Laboratory
Classification: Likely pathogenic for Primary hyperoxaluria, type I. Last evaluated: 2023-10-27. Review status: criteria provided, single submitter. Criteria: ACMG Guidelines, 2015. Collection method: curation. Allele origin: germline. Affected: yes.
Comment: ACMG:PM1 PM2 PP3 PP4

Literature cited by the submitters: PubMed 34082749.

NM_000030.3(AGXT):c.602A>T (p.Asp201Val)

Gene: AGXT (alanine--glyoxylate aminotransferase; plus strand). Cytogenetic location: 2q37.3.
Variant type: single nucleotide variant.
Coding change: c.602A>T on transcript NM_000030.3 (MANE Select); coding-DNA position 602, A replaced by T.
Protein change: p.Asp201Val; replaces aspartic acid 201 with valine.
Molecular consequence: missense variant.
Genome position (GRCh38, 1-based): chr2:240,873,984, A>T. VCF-style: chr2-240873984-A-T. GRCh37 (hg19) VCF-style: chr2-241813401-A-T.
Other names: short protein forms D201V.
Identifiers: ClinVar variation 2681178 (VCV002681178.1), dbSNP rs1575709864, ClinGen allele CA351316767.